The following is an entry in ClinVar:

NM_000080.4(CHRNE):c.1463C>T (p.Ala488Val)

Gene: CHRNE (cholinergic receptor nicotinic epsilon subunit; minus strand). Cytogenetic location: 17p13.2.
Variant type: single nucleotide variant.
Coding change: c.1463C>T on transcript NM_000080.4 (MANE Select); coding-DNA position 1463, C replaced by T.
Protein change: p.Ala488Val; replaces alanine 488 with valine.
Molecular consequence: missense variant.
Genome position (GRCh38, 1-based): chr17:4,898,755, G>A on the plus strand (C>T on the coding strand, the complement: CHRNE is on the minus strand). VCF-style: chr17-4898755-G-A. GRCh37 (hg19) VCF-style: chr17-4802050-G-A.
Other names: short protein forms A488V.
Identifiers: ClinVar variation 2731367 (VCV002731367.4), dbSNP rs1372953960, ClinGen allele CA397297216.

ClinVar aggregate classification (germline): Uncertain significance. Review status: criteria provided, multiple submitters, no conflicts (2 of 4 stars). 2 submissions from 2 submitters: Uncertain significance (2). Last evaluated 2025-11-10.

Conditions:
Congenital myasthenic syndrome 4A. Also called: MYASTHENIC SYNDROME, CONGENITAL, 4A, SLOW-CHANNEL, AUTOSOMAL RECESSIVE; CONGENITAL MYASTHENIC SYNDROME TYPE Ia1; Myasthenic syndrome, congenital, 4a, slow-channel. Identifiers: Orphanet 590, MedGen C4225413, MONDO:0011600, OMIM 605809.

Allele frequency attached by ClinVar (database versions not stated): gnomAD 0.00001; gnomAD exomes below 0.00001; TOPMed 0.00001.
gnomAD v4.1: 4 of 1,610,982 alleles (0.00025%); highest among the groups gnomAD compares: South Asian, 0.0033%; no homozygotes.

Submissions (2):

Labcorp Genetics (formerly Invitae), Labcorp
Classification: Uncertain significance for Congenital myasthenic syndrome 4A. Last evaluated: 2025-11-10. Review status: criteria provided, single submitter. Criteria: Invitae Variant Classification Sherloc (09022015). Collection method: clinical testing. Allele origin: germline.
Comment: This sequence change replaces alanine, which is neutral and non-polar, with valine, which is neutral and non-polar, at codon 488 of the CHRNE protein (p.Ala488Val). The frequency data for this variant in the population databases is considered unreliable, as metrics indicate poor data quality at this position in the gnomAD database. This variant has not been reported in the literature in individuals affected with CHRNE-related conditions. ClinVar contains an entry for this variant (Variation ID: 2731367). Invitae Evidence Modeling of protein sequence and biophysical properties (such as structural, functional, and spatial information, amino acid conservation, physicochemical variation, residue mobility, and thermodynamic stability) indicates that this missense variant is not expected to disrupt CHRNE protein function with a negative predictive value of 95%. In summary, the available evidence is currently insufficient to determine the role of this variant in disease. Therefore, it has been classified as a Variant of Uncertain Significance.

Revvity Omics, Revvity
Classification: Uncertain significance. Last evaluated: 2025-02-20. Review status: criteria provided, single submitter. Criteria: ACMG Guidelines, 2015. Collection method: clinical testing. Allele origin: germline.